The following is an entry in ClinVar:

ClinVar aggregate classification (germline): Uncertain significance (1 of 4 stars; one submission).

Conditions:
Severe combined immunodeficiency due to DNA-PKcs deficiency. Also called: IMMUNODEFICIENCY 26 WITH NEUROLOGIC ABNORMALITIES; Immunodeficiency 26 with or without neurologic abnormalities. Identifiers: Orphanet 317425, MedGen C4014833, MONDO:0014423, OMIM 615966.

Allele frequency attached by ClinVar (database versions not stated): gnomAD exomes below 0.00001; TOPMed below 0.00001; ExAC 0.00002; gnomAD 0.00003.
gnomAD v4.1: 6 of 1,613,672 alleles (0.00037%); highest among the groups gnomAD compares: African/African-American, 0.008%; no homozygotes.

Submission:

Labcorp Genetics (formerly Invitae), Labcorp
Classification: Uncertain significance for Severe combined immunodeficiency due to DNA-PKcs deficiency. Last evaluated: 2023-06-19. Review status: criteria provided, single submitter. Criteria: Invitae Variant Classification Sherloc (09022015). Collection method: clinical testing. Allele origin: germline.
Comment: Advanced modeling of protein sequence and biophysical properties (such as structural, functional, and spatial information, amino acid conservation, physicochemical variation, residue mobility, and thermodynamic stability) performed at Invitae indicates that this missense variant is not expected to disrupt PRKDC protein function. In summary, the available evidence is currently insufficient to determine the role of this variant in disease. Therefore, it has been classified as a Variant of Uncertain Significance. ClinVar contains an entry for this variant (Variation ID: 2103978). This variant has not been reported in the literature in individuals affected with PRKDC-related conditions. This variant is present in population databases (rs758419819, gnomAD 0.01%). This sequence change replaces serine, which is neutral and polar, with threonine, which is neutral and polar, at codon 2037 of the PRKDC protein (p.Ser2037Thr).

NM_006904.7(PRKDC):c.6110G>C (p.Ser2037Thr)

Gene: PRKDC (protein kinase, DNA-activated, catalytic subunit; minus strand). Cytogenetic location: 8q11.21.
Variant type: single nucleotide variant.
Coding change: c.6110G>C on transcript NM_006904.7 (MANE Select); coding-DNA position 6110, G replaced by C.
Protein change: p.Ser2037Thr; replaces serine 2037 with threonine.
Molecular consequence: missense variant.
Genome position (GRCh38, 1-based): chr8:47,859,708, C>G on the plus strand (G>C on the coding strand, the complement: PRKDC is on the minus strand). VCF-style: chr8-47859708-C-G. GRCh37 (hg19) VCF-style: chr8-48772269-C-G.
Other names: c.6110G>C, p.Ser2037Thr (NM_001081640.2); short protein forms S2037T.
Identifiers: ClinVar variation 2103978 (VCV002103978.4), dbSNP rs758419819, ClinGen allele CA4740469.